The following is an entry in ClinVar:

ClinVar aggregate classification (germline): Pathogenic. Review status: criteria provided, multiple submitters, no conflicts (2 of 4 stars). 2 submissions from 2 submitters: Pathogenic (2). Last evaluated 2024-01-18.

Conditions:
Exostoses, multiple, type 2 (EXT2). Also called: Hereditary Multiple Osteochondromatosis, Type II; EXOSTOSES, MULTIPLE, TYPE II. Identifiers: Orphanet 321, MedGen C1851413, MONDO:0007586, OMIM 133701.

Allele frequency attached by ClinVar (database versions not stated): gnomAD exomes below 0.00001; ExAC 0.00001.

Submissions (2):

GeneDx
Classification: Pathogenic. Last evaluated: 2024-01-18. Review status: criteria provided, single submitter. Criteria: GeneDx Variant Classification Process June 2021. Collection method: clinical testing. Allele origin: germline. Affected: yes.
Comment: Nonsense variant predicted to result in protein truncation or nonsense mediated decay in a gene for which loss of function is a known mechanism of disease; Not observed at significant frequency in large population cohorts (gnomAD); Has not been previously published as pathogenic or benign in association with EXT2-related disorders to our knowledge; This variant is associated with the following publications: (PMID: 29625052, 36451132)

Labcorp Genetics (formerly Invitae), Labcorp
Classification: Pathogenic for Exostoses, multiple, type 2. Last evaluated: 2019-09-09. Review status: criteria provided, single submitter. Criteria: Invitae Variant Classification Sherloc (09022015). Collection method: clinical testing. Allele origin: germline.
Comment: This sequence change creates a premature translational stop signal (p.Tyr107*) in the EXT2 gene. It is expected to result in an absent or disrupted protein product. For these reasons, this variant has been classified as Pathogenic. Loss-of-function variants in EXT2 are known to be pathogenic (PMID: 10679937, 19810120). This variant has not been reported in the literature in individuals with EXT2-related conditions. This variant is present in population databases (rs767802942, ExAC 0.002%).

Literature cited by the submitters: PubMed 10679937 (cited by Labcorp Genetics (formerly Invitae), Labcorp); PubMed 19810120 (cited by Labcorp Genetics (formerly Invitae), Labcorp).

NM_207122.2(EXT2):c.321T>A (p.Tyr107Ter)

Gene: EXT2 (exostosin glycosyltransferase 2; plus strand). Cytogenetic location: 11p11.2.
Variant type: single nucleotide variant.
Coding change: c.321T>A on transcript NM_207122.2 (MANE Select); coding-DNA position 321, T replaced by A.
Protein change: p.Tyr107Ter; replaces tyrosine 107 with a stop codon.
Molecular consequence: nonsense.
Genome position (GRCh38, 1-based): chr11:44,108,033, T>A. VCF-style: chr11-44108033-T-A. GRCh37 (hg19) VCF-style: chr11-44129583-T-A.
Other names: c.420T>A, p.Tyr140Ter (NM_000401.3); c.321T>A, p.Tyr107Ter (NM_001178083.3, NM_001389628.1, NM_001389630.1); short protein forms Y140*, Y107*.
Identifiers: ClinVar variation 940247 (VCV000940247.9), dbSNP rs767802942, ClinGen allele CA5954858.
Genomic context (GRCh38, chr11:44,108,033, plus strand): 5'-GCACACGTGTTTTGATGTCTATCGCTGTGGCTTCAACCCAAAGAACAAAATCAAGGTGTA[T>A]ATCTATGCTCTGAAAAAGTACGTGGATGACTTTGGCGTCTCTGTCAGCAACACCATCTCC-3'